The following is an entry in ClinVar:

ClinVar aggregate classification (germline): Uncertain significance (1 of 4 stars; one submission).

Allele frequency attached by ClinVar (database versions not stated): ExAC 0.00001; gnomAD exomes 0.00001 and 0.00003; TOPMed 0.00002; gnomAD 0.00003.
gnomAD v4.1: 42 of 1,613,758 alleles (0.0026%); highest among the groups gnomAD compares: African/African-American, 0.0053%; no homozygotes.

Submission:

GeneDx
Classification: Uncertain significance. Last evaluated: 2022-02-09. Review status: criteria provided, single submitter. Criteria: GeneDx Variant Classification Process June 2021. Collection method: clinical testing. Allele origin: germline. Affected: yes.
Comment: Has not been previously published as pathogenic or benign to our knowledge; Not observed at significant frequency in large population cohorts (gnomAD); In silico analysis supports that this missense variant does not alter protein structure/function

NM_005993.5(TBCD):c.1240A>G (p.Lys414Glu)

Gene: TBCD (tubulin folding cofactor D). Cytogenetic location: 17q25.3.
Variant type: single nucleotide variant.
Coding change: c.1240A>G on transcript NM_005993.5 (MANE Select); coding-DNA position 1240, A replaced by G.
Protein change: p.Lys414Glu; replaces lysine 414 with glutamic acid.
Molecular consequence: missense variant.
Genome position (GRCh38, 1-based): chr17:82,814,856, A>G. VCF-style: chr17-82814856-A-G. GRCh37 (hg19) VCF-style: chr17-80772732-A-G.
Other names: short protein forms K414E.
Identifiers: ClinVar variation 1700950 (VCV001700950.2), dbSNP rs775419756, ClinGen allele CA8861966.